The following is an entry in ClinVar:

NM_005219.5(DIAPH1):c.13G>A (p.Gly5Ser)

Gene: DIAPH1 (diaphanous related formin 1; minus strand). Cytogenetic location: 5q31.3.
Variant type: single nucleotide variant.
Coding change: c.13G>A on transcript NM_005219.5 (MANE Select); coding-DNA position 13, G replaced by A.
Protein change: p.Gly5Ser; replaces glycine 5 with serine.
Molecular consequence: missense variant.
Genome position (GRCh38, 1-based): chr5:141,618,902, C>T on the plus strand (G>A on the coding strand, the complement: DIAPH1 is on the minus strand). VCF-style: chr5-141618902-C-T. GRCh37 (hg19) VCF-style: chr5-140998469-C-T.
Other names: c.13G>A, p.Gly5Ser (NM_001079812.3, NM_001314007.2); short protein forms G5S.
Identifiers: ClinVar variation 1056215 (VCV001056215.9), dbSNP rs2154597569, ClinGen allele CA361509001.

ClinVar aggregate classification (germline): Uncertain significance (1 of 4 stars; one submission).

Conditions:
Autosomal dominant nonsyndromic hearing loss 1. Also called: KONIGSMARK SYNDROME; DEAFNESS, AUTOSOMAL DOMINANT 1, WITH OR WITHOUT THROMBOCYTOPENIA. Identifiers: Orphanet 90635, MedGen C1852282, MONDO:0007424, OMIM 124900.
Progressive microcephaly-seizures-cortical blindness-developmental delay syndrome. Also called: Seizures, cortical blindness, and microcephaly syndrome. Identifiers: Orphanet 477814, MedGen C5567650, MONDO:0014714, OMIM 616632.

Submission:

Labcorp Genetics (formerly Invitae), Labcorp
Classification: Uncertain significance for Progressive microcephaly-seizures-cortical blindness-developmental delay syndrome; Autosomal dominant nonsyndromic hearing loss 1. Last evaluated: 2024-07-15. Review status: criteria provided, single submitter. Criteria: Invitae Variant Classification Sherloc (09022015). Collection method: clinical testing. Allele origin: germline.
Comment: This sequence change replaces glycine, which is neutral and non-polar, with serine, which is neutral and polar, at codon 5 of the DIAPH1 protein (p.Gly5Ser). This variant is not present in population databases (gnomAD no frequency). This variant has not been reported in the literature in individuals affected with DIAPH1-related conditions. ClinVar contains an entry for this variant (Variation ID: 1056215). Experimental studies and prediction algorithms are not available or were not evaluated, and the functional significance of this variant is currently unknown. In summary, the available evidence is currently insufficient to determine the role of this variant in disease. Therefore, it has been classified as a Variant of Uncertain Significance.